The following is an entry in ClinVar:

ClinVar aggregate classification (germline): Uncertain significance (1 of 4 stars; one submission).

Conditions:
Myofibrillar myopathy 5. Also called: Filaminopathy (type); FILAMINOPATHY, AUTOSOMAL DOMINANT. Identifiers: Orphanet 171445, MedGen C1836050, MONDO:0012289, OMIM 609524.
Distal myopathy with posterior leg and anterior hand involvement. Also called: WILLIAMS DISTAL MYOPATHY. Identifiers: Orphanet 63273, MedGen C3279722, MONDO:0013550, OMIM 614065.
Hypertrophic cardiomyopathy 26. Also called: Cardiomyopathy, familial hypertrophic, 26. Identifiers: Orphanet 75249, MedGen C4310749, MONDO:0014883, OMIM 617047.

Submission:

Labcorp Genetics (formerly Invitae), Labcorp
Classification: Uncertain significance for Distal myopathy with posterior leg and anterior hand involvement; Myofibrillar myopathy 5; Hypertrophic cardiomyopathy 26. Last evaluated: 2024-10-16. Review status: criteria provided, single submitter. Criteria: Invitae Variant Classification Sherloc (09022015). Collection method: clinical testing. Allele origin: germline.
Comment: This sequence change replaces phenylalanine, which is neutral and non-polar, with leucine, which is neutral and non-polar, at codon 2304 of the FLNC protein (p.Phe2304Leu). This variant is not present in population databases (gnomAD no frequency). This variant has not been reported in the literature in individuals affected with FLNC-related conditions. ClinVar contains an entry for this variant (Variation ID: 1714999). Invitae Evidence Modeling of protein sequence and biophysical properties (such as structural, functional, and spatial information, amino acid conservation, physicochemical variation, residue mobility, and thermodynamic stability) indicates that this missense variant is not expected to disrupt FLNC protein function with a negative predictive value of 80%. In summary, the available evidence is currently insufficient to determine the role of this variant in disease. Therefore, it has been classified as a Variant of Uncertain Significance.

NM_001458.5(FLNC):c.6912C>G (p.Phe2304Leu)

Genes: FLNC (filamin C; plus strand), FLNC-AS1 (FLNC antisense RNA 1; minus strand). Cytogenetic location: 7q32.1.
Variant type: single nucleotide variant.
Coding change: c.6912C>G on transcript NM_001458.5 (MANE Select); coding-DNA position 6912, C replaced by G.
Protein change: p.Phe2304Leu; replaces phenylalanine 2304 with leucine.
Molecular consequence: missense variant.
Genome position (GRCh38, 1-based): chr7:128,854,597, C>G. VCF-style: chr7-128854597-C-G. GRCh37 (hg19) VCF-style: chr7-128494651-C-G.
Other names: c.6813C>G, p.Phe2271Leu (NM_001127487.2); short protein forms F2271L, F2304L.
Identifiers: ClinVar variation 1714999 (VCV001714999.6), dbSNP rs2536665301, ClinGen allele CA369214166.